The following is an entry in ClinVar:

ClinVar aggregate classification (germline): Likely benign (0 of 4 stars; one submission).

Conditions:
EFR3A-related disorder. Also called: EFR3A-related condition.

Allele frequency attached by ClinVar (database versions not stated): ExAC 0.00001; gnomAD 0.00001; gnomAD exomes 0.00001; TOPMed 0.00001.
gnomAD v4.1: 13 of 1,612,910 alleles (0.00081%); highest among the groups gnomAD compares: Middle Eastern, 0.016%; no homozygotes.

Submission:

PreventionGenetics, part of Exact Sciences
Classification: Likely benign for EFR3A-related condition. Last evaluated: 2019-03-08. Review status: no assertion criteria provided. Collection method: clinical testing. Allele origin: germline.
Comment: This variant is classified as likely benign based on ACMG/AMP sequence variant interpretation guidelines (Richards et al. 2015 PMID: 25741868, with internal and published modifications).

NM_015137.6(EFR3A):c.1390T>C (p.Leu464=)

Gene: EFR3A (EFR3 homolog A; plus strand). Cytogenetic location: 8q24.22.
Variant type: single nucleotide variant.
Coding change: c.1390T>C on transcript NM_015137.6 (MANE Select); coding-DNA position 1390, T replaced by C.
Protein change: p.Leu464=; no amino-acid change (leucine 464 retained).
Molecular consequence: synonymous variant. On other transcripts: non-coding transcript variant (2).
Genome position (GRCh38, 1-based): chr8:131,978,910, T>C. VCF-style: chr8-131978910-T-C. GRCh37 (hg19) VCF-style: chr8-132991157-T-C.
Other names: c.1282T>C, p.Leu428= (NM_001323553.2, NM_001323554.2, NM_001323555.2 and 2 more transcripts); c.1390T>C, p.Leu464= (NM_001323558.2).
Identifiers: ClinVar variation 3042158 (VCV003042158.2), dbSNP rs758222589, ClinGen allele CA4879062.